The following is an entry in ClinVar:

NM_004329.3(BMPR1A):c.1245A>C (p.Glu415Asp)

Gene: BMPR1A (bone morphogenetic protein receptor type 1A; plus strand). Cytogenetic location: 10q23.2.
Variant type: single nucleotide variant.
Coding change: c.1245A>C on transcript NM_004329.3 (MANE Select); coding-DNA position 1245, A replaced by C.
Protein change: p.Glu415Asp; replaces glutamic acid 415 with aspartic acid.
Molecular consequence: missense variant.
Genome position (GRCh38, 1-based): chr10:86,921,598, A>C. VCF-style: chr10-86921598-A-C. GRCh37 (hg19) VCF-style: chr10-88681355-A-C.
Other names: short protein forms E415D.
Identifiers: ClinVar variation 188355 (VCV000188355.18), dbSNP rs786204235, ClinGen allele CA334706.

ClinVar aggregate classification (germline): Uncertain significance. Review status: criteria provided, multiple submitters, no conflicts (2 of 4 stars). 5 submissions from 5 submitters: Uncertain significance (5). Last evaluated 2025-08-17.

Conditions:
Juvenile polyposis syndrome (JPS). Identifiers: Orphanet 2929, MedGen C0345893, MONDO:0017380, OMIM 174900.
Hereditary cancer-predisposing syndrome. Also called: Hereditary Cancer Syndrome; Neoplastic Syndromes, Hereditary; Tumor predisposition; Hereditary neoplastic syndrome. Identifiers: Orphanet 140162, MedGen C0027672, MeSH D009386, MONDO:0015356.
Polyposis syndrome, hereditary mixed, 2. Identifiers: Orphanet 157794, MedGen C1864730, MONDO:0012405, OMIM 610069.

Allele frequency attached by ClinVar (database versions not stated): gnomAD exomes below 0.00001.
gnomAD v4.1: 1 of 1,614,156 alleles (0.000062%); highest among the groups gnomAD compares: Middle Eastern, 0.016%; no homozygotes.

Submissions (5):

Labcorp Genetics (formerly Invitae), Labcorp
Classification: Uncertain significance for Juvenile polyposis syndrome. Last evaluated: 2025-08-17. Review status: criteria provided, single submitter. Criteria: Invitae Variant Classification Sherloc (09022015). Collection method: clinical testing. Allele origin: germline.
Comment: This sequence change replaces glutamic acid, which is acidic and polar, with aspartic acid, which is acidic and polar, at codon 415 of the BMPR1A protein (p.Glu415Asp). This variant is present in population databases (rs786204235, gnomAD no frequency). This variant has not been reported in the literature in individuals affected with BMPR1A-related conditions. ClinVar contains an entry for this variant (Variation ID: 188355). Invitae Evidence Modeling incorporating data from in vitro experimental studies (internal data) indicates that this missense variant is not expected to disrupt BMPR1A function with a negative predictive value of 95%. In summary, the available evidence is currently insufficient to determine the role of this variant in disease. Therefore, it has been classified as a Variant of Uncertain Significance.

Women's Health and Genetics/Laboratory Corporation of America, LabCorp
Classification: Uncertain significance. Last evaluated: 2024-11-22. Review status: criteria provided, single submitter. Criteria: LabCorp Variant Classification Summary - May 2015. Collection method: clinical testing. Allele origin: germline.
Comment: Variant summary: BMPR1A c.1245A>C (p.Glu415Asp) results in a conservative amino acid change in the encoded protein sequence. Four of five in-silico tools predict a benign effect of the variant on protein function. The variant allele was found at a frequency of 4e-06 in 251486 control chromosomes. The available data on variant occurrences in the general population are insufficient to allow any conclusion about variant significance. To our knowledge, no occurrence of c.1245A>C in individuals affected with Juvenile Polyposis Syndrome and no experimental evidence demonstrating its impact on protein function have been reported. ClinVar contains an entry for this variant (Variation ID: 188355). Based on the evidence outlined above, the variant was classified as uncertain significance.

Ambry Genetics
Classification: Uncertain significance for Hereditary cancer-predisposing syndrome. Last evaluated: 2024-08-17. Review status: criteria provided, single submitter. Criteria: Ambry Variant Classification Scheme 2023. Collection method: clinical testing. Allele origin: germline.
Comment: The p.E415D variant (also known as c.1245A>C), located in coding exon 9 of the BMPR1A gene, results from an A to C substitution at nucleotide position 1245. The glutamic acid at codon 415 is replaced by aspartic acid, an amino acid with highly similar properties. This amino acid position is highly conserved in available vertebrate species. In addition, the in silico prediction for this alteration is inconclusive. Since supporting evidence is limited at this time, the clinical significance of this alteration remains unclear.

Baylor Genetics
Classification: Uncertain significance for Polyposis syndrome, hereditary mixed, 2. Last evaluated: 2023-12-07. Review status: criteria provided, single submitter. Criteria: ACMG Guidelines, 2015. Collection method: clinical testing. Allele origin: unknown.

Color Diagnostics, LLC DBA Color Health
Classification: Uncertain significance for Hereditary cancer-predisposing syndrome. Last evaluated: 2019-09-16. Review status: criteria provided, single submitter. Criteria: ACMG Guidelines, 2015. Collection method: clinical testing. Allele origin: germline.
Comment: This missense variant replaces glutamic acid with aspartic acid at codon 415 of the BMPR1A protein. Computational prediction tool is inconclusive regarding the impact of this variant on protein structure and function (internally defined REVEL score threshold 0.5 < inconclusive < 0.7, PMID: 27666373). Splice site prediction tools suggest that this variant may not impact RNA splicing. To our knowledge, functional studies have not been performed for this variant. This variant has not been reported in individuals affected with hereditary cancer in the literature. This variant has been identified in 1/251486 chromosomes in the general population by the Genome Aggregation Database (gnomAD). The available evidence is insufficient to determine the role of this variant in disease conclusively. Therefore, this variant is classified as a Variant of Uncertain Significance.

Literature cited by the submitters: PubMed 23399955 (cited by Ambry Genetics).